The following is an entry in ClinVar:

NM_000350.3(ABCA4):c.6442T>C (p.Phe2148Leu)

Gene: ABCA4 (ATP binding cassette subfamily A member 4; minus strand). Cytogenetic location: 1p22.1.
Variant type: single nucleotide variant.
Coding change: c.6442T>C on transcript NM_000350.3 (MANE Select); coding-DNA position 6442, T replaced by C.
Protein change: p.Phe2148Leu; replaces phenylalanine 2148 with leucine.
Molecular consequence: missense variant.
Genome position (GRCh38, 1-based): chr1:94,000,873, A>G on the plus strand (T>C on the coding strand, the complement: ABCA4 is on the minus strand). VCF-style: chr1-94000873-A-G. GRCh37 (hg19) VCF-style: chr1-94466429-A-G.
Other names: c.6220T>C, p.Phe2074Leu (NM_001425324.1); c.6442T>C (NM_000350.2); short protein forms F2148L, F2074L.
Identifiers: ClinVar variation 1413134 (VCV001413134.9), dbSNP rs780798765, ClinGen allele CA956874.

ClinVar aggregate classification (germline): Uncertain significance. Review status: criteria provided, multiple submitters, no conflicts (2 of 4 stars). 2 submissions from 2 submitters: Uncertain significance (2). Last evaluated 2024-11-04.

Allele frequency attached by ClinVar (database versions not stated): ExAC 0.00001; gnomAD exomes 0.00001.
gnomAD v4.1: 4 of 1,614,174 alleles (0.00025%); highest among the groups gnomAD compares: Admixed American, 0.0067%; no homozygotes.

Submissions (2):

GeneDx
Classification: Uncertain significance. Last evaluated: 2024-11-04. Review status: criteria provided, single submitter. Criteria: GeneDx Variant Classification Process June 2021. Collection method: clinical testing. Allele origin: germline. Affected: yes.
Comment: In silico analysis supports that this missense variant has a deleterious effect on protein structure/function; Has not been previously published as pathogenic or benign to our knowledge

Labcorp Genetics (formerly Invitae), Labcorp
Classification: Uncertain significance. Last evaluated: 2022-08-01. Review status: criteria provided, single submitter. Criteria: Invitae Variant Classification Sherloc (09022015). Collection method: clinical testing. Allele origin: germline.
Comment: This variant has not been reported in the literature in individuals affected with ABCA4-related conditions. In summary, the available evidence is currently insufficient to determine the role of this variant in disease. Therefore, it has been classified as a Variant of Uncertain Significance. Advanced modeling of protein sequence and biophysical properties (such as structural, functional, and spatial information, amino acid conservation, physicochemical variation, residue mobility, and thermodynamic stability) performed at Invitae indicates that this missense variant is expected to disrupt ABCA4 protein function. ClinVar contains an entry for this variant (Variation ID: 1413134). This variant is present in population databases (rs780798765, gnomAD 0.01%). This sequence change replaces phenylalanine, which is neutral and non-polar, with leucine, which is neutral and non-polar, at codon 2148 of the ABCA4 protein (p.Phe2148Leu).